The following is an entry in ClinVar:

ClinVar aggregate classification (germline): Uncertain significance (1 of 4 stars; one submission).

Conditions:
Vici syndrome (VICIS). Identifiers: Orphanet 1493, MedGen C1855772, MONDO:0009452, OMIM 242840.

Allele frequency attached by ClinVar (database versions not stated): TOPMed below 0.00001; gnomAD exomes 0.00001.
gnomAD v4.1: 8 of 1,578,440 alleles (0.00051%); highest among the groups gnomAD compares: Non-Finnish European, 0.00069%; no homozygotes.

Submission:

Labcorp Genetics (formerly Invitae), Labcorp
Classification: Uncertain significance for Vici syndrome. Last evaluated: 2021-08-28. Review status: criteria provided, single submitter. Criteria: Invitae Variant Classification Sherloc (09022015). Collection method: clinical testing. Allele origin: germline.
Comment: This sequence change replaces asparagine with lysine at codon 1655 of the EPG5 protein (p.Asn1655Lys). The asparagine residue is highly conserved and there is a moderate physicochemical difference between asparagine and lysine. This variant is not present in population databases (ExAC no frequency). This variant has not been reported in the literature in individuals affected with EPG5-related conditions. Algorithms developed to predict the effect of missense changes on protein structure and function are either unavailable or do not agree on the potential impact of this missense change (SIFT: "Tolerated"; PolyPhen-2: "Probably Damaging"; Align-GVGD: "Class C0"). In summary, the available evidence is currently insufficient to determine the role of this variant in disease. Therefore, it has been classified as a Variant of Uncertain Significance.

NM_020964.3(EPG5):c.4965T>G (p.Asn1655Lys)

Gene: EPG5 (ectopic P-granules 5 autophagy tethering factor; minus strand). Cytogenetic location: 18q12.3.
Variant type: single nucleotide variant.
Coding change: c.4965T>G on transcript NM_020964.3 (MANE Select); coding-DNA position 4965, T replaced by G.
Protein change: p.Asn1655Lys; replaces asparagine 1655 with lysine.
Molecular consequence: missense variant.
Genome position (GRCh38, 1-based): chr18:45,887,895, A>C on the plus strand (T>G on the coding strand, the complement: EPG5 is on the minus strand). VCF-style: chr18-45887895-A-C. GRCh37 (hg19) VCF-style: chr18-43467860-A-C.
Other names: short protein forms N1655K.
Identifiers: ClinVar variation 1040879 (VCV001040879.7), dbSNP rs2049253483, ClinGen allele CA402346557.